The following is an entry in ClinVar:

NM_017635.5(KMT5B):c.2362_2364del (p.Arg788del)

Gene: KMT5B (lysine methyltransferase 5B; minus strand). Cytogenetic location: 11q13.2.
Variant type: Deletion.
Coding change: c.2362_2364del on transcript NM_017635.5 (MANE Select); coding-DNA positions 2362 to 2364, 3 bases deleted (AGG; older notation c.2362_2364delAGG).
Protein change: p.Arg788del; deletes arginine 788.
Genome position (GRCh38, 1-based): chr11:68,157,982-68,157,984, CCT deleted on the plus strand (AGG on the coding strand, the reverse complement: KMT5B is on the minus strand). VCF-style (leftmost placement, unchanged base first): chr11-68157981-CCCT-C. GRCh37 (hg19) VCF-style: chr11-67925448-CCCT-C.
Other names: c.1846_1848del, p.Arg616del (NM_001300907.1, NM_001369428.1, NM_001369429.1 and 4 more transcripts); c.1642_1644del, p.Arg548del (NM_001300908.2); c.2362_2364del, p.Arg788del (NM_001369426.1); short protein forms R548del, R616del, R788del.
Identifiers: ClinVar variation 5041655 (VCV005041655.1).

ClinVar aggregate classification (germline): Uncertain significance (1 of 4 stars; one submission).

Submission:

CeGaT Center for Human Genetics Tuebingen
Classification: Uncertain significance. Last evaluated: 2026-09-01. Review status: criteria provided, single submitter. Criteria: CeGaT Center For Human Genetics Tuebingen Variant Classification Criteria Version 2. Collection method: clinical testing. Allele origin: germline. Affected: yes. Observed: 1 variant allele.
Comment: KMT5B: PM4:Supporting